The following is an entry in ClinVar:

NM_024928.5(STN1):c.501G>A (p.Met167Ile)

Gene: STN1 (STN1 subunit of CST complex; minus strand). Cytogenetic location: 10q24.33.
Variant type: single nucleotide variant.
Coding change: c.501G>A on transcript NM_024928.5 (MANE Select); coding-DNA position 501, G replaced by A.
Protein change: p.Met167Ile; replaces methionine 167 with isoleucine.
Molecular consequence: missense variant.
Genome position (GRCh38, 1-based): chr10:103,898,957, C>T on the plus strand (G>A on the coding strand, the complement: STN1 is on the minus strand). VCF-style: chr10-103898957-C-T. GRCh37 (hg19) VCF-style: chr10-105658715-C-T.
Other names: short protein forms M167I.
Identifiers: ClinVar variation 1350150 (VCV001350150.6), dbSNP rs2134365834, ClinGen allele CA378046583.
Genomic context (GRCh38, chr10:103,898,957, plus strand): 5'-TAGGGCTGAGCTGTGAAAAGGCTGGTCATAAACTTTCCTGTAGATAGTGGGCAGCTCAAG[C>T]ATCCTTGCAATTTGAATGTTCCACACTGGGTCGTCCACTTTATCTAACAAGTGACCAGAA-3'
Protein context (NP_079204.2, residues 157-177): DPVWNIQIAR[Met167Ile]LELPTIYRKV

ClinVar aggregate classification (germline): Uncertain significance (1 of 4 stars; one submission).

Submission:

Labcorp Genetics (formerly Invitae), Labcorp
Classification: Uncertain significance. Last evaluated: 2022-07-25. Review status: criteria provided, single submitter. Criteria: Invitae Variant Classification Sherloc (09022015). Collection method: clinical testing. Allele origin: germline.
Comment: This variant has not been reported in the literature in individuals affected with STN1-related conditions. In summary, the available evidence is currently insufficient to determine the role of this variant in disease. Therefore, it has been classified as a Variant of Uncertain Significance. Algorithms developed to predict the effect of missense changes on protein structure and function are either unavailable or do not agree on the potential impact of this missense change (SIFT: "Deleterious"; PolyPhen-2: "Possibly Damaging"; Align-GVGD: "Class C0"). ClinVar contains an entry for this variant (Variation ID: 1350150). This variant is not present in population databases (gnomAD no frequency). This sequence change replaces methionine, which is neutral and non-polar, with isoleucine, which is neutral and non-polar, at codon 167 of the STN1 protein (p.Met167Ile).